The following is an entry in ClinVar:

ClinVar aggregate classification (germline): Pathogenic (1 of 4 stars; one submission).

Submission:

GeneDx
Classification: Pathogenic. Last evaluated: 2014-03-10. Review status: criteria provided, single submitter. Criteria: GeneDx Variant Classification (06012015). Collection method: clinical testing. Allele origin: germline. Affected: yes.
Comment: c.1256_1259delTAGA: p.Ile419LysfsX19 (I419KfsX19) in exon 9 of the NDUFV1 gene (NM_007103.3). The normal sequence with the bases that are deleted in braces is: CAGA{TAGA}AGGC. The c.1256_1259delTAGA mutation in the NDUFV1 gene causes a frameshift starting with codon Isoleucine 419, changes this amino acid to a Lysine residue and creates a premature Stop codon at position 19 of the new reading frame, denoted p.Ile419LysfsX19. This mutation is predicted to cause loss of normal protein function through protein truncation. Although this mutation has not been previously reported to our knowledge, it is expected to be a pathogenic mutation. The variant is found in MITONUC-MITOP panel(s).

NM_007103.4(NDUFV1):c.1256_1259del (p.Ile419fs)

Genes: NDUFV1 (NADH:ubiquinone oxidoreductase core subunit V1; plus strand), LOC126861242 (CDK7 strongly-dependent group 2 enhancer GRCh37_chr11:67379204-67380403; plus strand). Cytogenetic location: 11q13.2.
Variant type: Deletion.
Coding change: c.1256_1259del on transcript NM_007103.4 (MANE Select); coding-DNA positions 1256 to 1259, 4 bases deleted (TAGA; older notation c.1256_1259delTAGA).
Protein change: p.Ile419fs; shifts the reading frame from isoleucine 419.
Molecular consequence: frameshift variant.
Genome position (GRCh38, 1-based): chr11:67,612,213-67,612,216, TAGA deleted; deleting any 4 consecutive bases within chr11:67,612,210-67,612,216 gives the same sequence; the c. name uses the placement nearest the transcript's 3' end. VCF-style (leftmost placement, unchanged base first): chr11-67612209-CAGAT-C. GRCh37 (hg19) VCF-style: chr11-67379680-CAGAT-C.
Other names: c.1229_1232del, p.Ile410fs (NM_001166102.2); short protein forms I410fs, I419fs.
Identifiers: ClinVar variation 214862 (VCV000214862.1), dbSNP rs863224119, ClinGen allele CA320866.